The following is an entry in ClinVar:

ClinVar aggregate classification (germline): Uncertain significance (0 of 4 stars; one submission).

Conditions:
SEMA3D-related disorder. Also called: SEMA3D-related condition.

Submission:

PreventionGenetics, part of Exact Sciences
Classification: Uncertain significance for SEMA3D-related condition. Last evaluated: 2024-05-31. Review status: no assertion criteria provided. Collection method: clinical testing. Allele origin: germline.
Comment: The SEMA3D c.1406T>C variant is predicted to result in the amino acid substitution p.Leu469Pro. To our knowledge, this variant has not been reported in the literature or in a large population database, indicating this variant is rare. At this time, the clinical significance of this variant is uncertain due to the absence of conclusive functional and genetic evidence.

NM_001384900.1(SEMA3D):c.1406T>C (p.Leu469Pro)

Gene: SEMA3D (semaphorin 3D; minus strand). Cytogenetic location: 7q21.11.
Variant type: single nucleotide variant.
Coding change: c.1406T>C on transcript NM_001384900.1 (MANE Select); coding-DNA position 1406, T replaced by C.
Protein change: p.Leu469Pro; replaces leucine 469 with proline.
Molecular consequence: missense variant.
Genome position (GRCh38, 1-based): chr7:85,022,399, A>G on the plus strand (T>C on the coding strand, the complement: SEMA3D is on the minus strand). VCF-style: chr7-85022399-A-G. GRCh37 (hg19) VCF-style: chr7-84651715-A-G.
Other names: c.1406T>C, p.Leu469Pro (NM_001384901.1, NM_001384902.1, NM_001384903.1 and 1 more transcripts); short protein forms L469P.
Identifiers: ClinVar variation 3345157 (VCV003345157.1).